The following is an entry in ClinVar:

ClinVar aggregate classification (germline): Uncertain significance (1 of 4 stars; one submission).

Submission:

Dasa
Classification: Uncertain significance. Last evaluated: 2025-05-15. Review status: criteria provided, single submitter. Criteria: DASA Assertion Criteria. Collection method: clinical testing. Allele origin: germline.
Comment: NM_000138.5(FBN1):c.572G>A (p.Ser191Asn) is a missense variant that results in the substitution of serine with asparagine. This variant is absent from population databases. Computational prediction algorithms are consistent with a benign effect. The currently available literature and clinical evidence are not sufficient to establish a definitive association between this variant and the reported condition. Therefore, this variant is classified as a variant of uncertain significance.

NM_000138.5(FBN1):c.572G>A (p.Ser191Asn)

Gene: FBN1 (fibrillin 1; minus strand). Cytogenetic location: 15q21.1.
Variant type: single nucleotide variant.
Coding change: c.572G>A on transcript NM_000138.5 (MANE Select); coding-DNA position 572, G replaced by A.
Protein change: p.Ser191Asn; replaces serine 191 with asparagine.
Molecular consequence: missense variant.
Genome position (GRCh38, 1-based): chr15:48,537,775, C>T on the plus strand (G>A on the coding strand, the complement: FBN1 is on the minus strand). VCF-style: chr15-48537775-C-T. GRCh37 (hg19) VCF-style: chr15-48829972-C-T.
Other names: c.572G>A, p.Ser191Asn (NM_001406716.1, NM_001406717.1); short protein forms S191N.
Identifiers: ClinVar variation 4883092 (VCV004883092.2).
Genomic context (GRCh38, chr15:48,537,775, plus strand): 5'-GCACAGCAGAGCGTTTTTGTGCAGACAATCCCGCTGAGTTGTCCCTGGCACATCTGGTTG[C>T]TGATCACAGTAAAACATGGGCCTGTCCTGTAATCTGAAAATAAAGAATAAAAATCTGATG-3'
Protein context (NP_000129.3, residues 181-201): YRTGPCFTVI[Ser191Asn]NQMCQGQLSG